The following is an entry in ClinVar:

ClinVar aggregate classification (germline): Uncertain significance (1 of 4 stars; one submission).

Conditions:
Cardiovascular phenotype. Identifiers: MedGen CN230736.
Hereditary cancer-predisposing syndrome. Also called: Hereditary neoplastic syndrome; Neoplastic Syndromes, Hereditary; Tumor predisposition; Hereditary Cancer Syndrome. Identifiers: Orphanet 140162, MedGen C0027672, MeSH D009386, MONDO:0015356.

Submission:

Ambry Genetics
Classification: Uncertain significance for Cardiovascular phenotype; Hereditary cancer-predisposing syndrome. Last evaluated: 2025-08-29. Review status: criteria provided, single submitter. Criteria: Ambry Variant Classification Scheme 2023. Collection method: clinical testing. Allele origin: germline.
Comment: The p.D1991V variant (also known as c.5972A>T), located in coding exon 40 of the NF1 gene, results from an A to T substitution at nucleotide position 5972. The aspartic acid at codon 1991 is replaced by valine, an amino acid with highly dissimilar properties. This amino acid position is conserved. In addition, this alteration is predicted to be deleterious by in silico analysis. Based on the available evidence, the clinical significance of this variant remains unclear.

NM_001042492.3(NF1):c.6035A>T (p.Asp2012Val)

Gene: NF1 (neurofibromin 1; plus strand). Cytogenetic location: 17q11.2.
Variant type: single nucleotide variant.
Coding change: c.6035A>T on transcript NM_001042492.3 (MANE Select); coding-DNA position 6035, A replaced by T.
Protein change: p.Asp2012Val; replaces aspartic acid 2012 with valine.
Molecular consequence: missense variant.
Genome position (GRCh38, 1-based): chr17:31,336,361, A>T. VCF-style: chr17-31336361-A-T. GRCh37 (hg19) VCF-style: chr17-29663379-A-T.
Other names: c.5972A>T, p.Asp1991Val (NM_000267.4); short protein forms D2012V, D1991V.
Identifiers: ClinVar variation 4119174 (VCV004119174.1).